The following is an entry in ClinVar:

ClinVar aggregate classification (germline): Likely benign (1 of 4 stars; one submission).

Allele frequency attached by ClinVar (database versions not stated): 1000 Genomes Project 0.00060; 1000 Genomes Project 30x 0.00062; TOPMed 0.00098; gnomAD 0.00170 and 0.00175.

Submission:

CeGaT Center for Human Genetics Tuebingen
Classification: Likely benign. Last evaluated: 2023-05-01. Review status: criteria provided, single submitter. Criteria: CeGaT Center For Human Genetics Tuebingen Variant Classification Criteria Version 2. Collection method: clinical testing. Allele origin: germline. Affected: yes. Observed: 11 variant alleles.
Comment: KCNQ2: BS1

NM_172107.4(KCNQ2):c.297-12282C>T

Gene: KCNQ2 (potassium voltage-gated channel subfamily Q member 2; minus strand). Cytogenetic location: 20q13.33.
Variant type: single nucleotide variant.
Coding change: c.297-12282C>T on transcript NM_172107.4 (MANE Select); 12282 bases into the intron before coding-DNA position 297, C replaced by T.
Molecular consequence: intron variant.
Genome position (GRCh38, 1-based): chr20:63,459,119, G>A on the plus strand (C>T on the coding strand, the complement: KCNQ2 is on the minus strand). VCF-style: chr20-63459119-G-A. GRCh37 (hg19) VCF-style: chr20-62090472-G-A.
Other names: c.297-12282C>T (NM_004518.6, NM_172108.5, NM_172106.3 and 2 more transcripts).
Identifiers: ClinVar variation 1701426 (VCV001701426.31), dbSNP rs547793052, ClinGen allele CA317475341.